The following is an entry in ClinVar:

ClinVar aggregate classification (germline): Likely benign (1 of 4 stars; one submission).

Allele frequency attached by ClinVar (database versions not stated): ExAC 0.00041; 1000 Genomes Project 0.00120.

Submission:

CeGaT Center for Human Genetics Tuebingen
Classification: Likely benign. Last evaluated: 2025-09-01. Review status: criteria provided, single submitter. Criteria: CeGaT Center For Human Genetics Tuebingen Variant Classification Criteria Version 2. Collection method: clinical testing. Allele origin: germline. Affected: yes. Observed: 2 variant alleles.
Comment: RGPD4: BP4, BP7

NM_182588.3(RGPD4):c.4359T>G (p.Val1453=)

Gene: RGPD4 (RANBP2 like and GRIP domain containing 4; plus strand). Cytogenetic location: 2q12.3.
Variant type: single nucleotide variant.
Coding change: c.4359T>G on transcript NM_182588.3 (MANE Select); coding-DNA position 4359, T replaced by G.
Protein change: p.Val1453=; no amino-acid change (valine 1453 retained).
Molecular consequence: synonymous variant.
Genome position (GRCh38, 1-based): chr2:107,872,363, T>G. VCF-style: chr2-107872363-T-G. GRCh37 (hg19) VCF-style: chr2-108488819-T-G.
Identifiers: ClinVar variation 2651240 (VCV002651240.24), dbSNP rs554139192, ClinGen allele CA1818552.